The following is an entry in ClinVar:

ClinVar aggregate classification (germline): Benign/Likely benign. Review status: criteria provided, multiple submitters, no conflicts (2 of 4 stars). 5 submissions from 5 submitters: Benign (1); Likely benign (4). Last evaluated 2025-06-11.

Conditions:
Hereditary cancer-predisposing syndrome. Also called: Hereditary neoplastic syndrome; Neoplastic Syndromes, Hereditary; Tumor predisposition; Hereditary Cancer Syndrome. Identifiers: Orphanet 140162, MedGen C0027672, MeSH D009386, MONDO:0015356.
Familial cancer of breast. Also called: BREAST CANCER, FAMILIAL; Hereditary breast cancer; hereditary breast carcinoma. Identifiers: Orphanet 227535, MedGen C0346153, MONDO:0016419, OMIM 114480. Disease mechanism: loss of function.

Allele frequency attached by ClinVar (database versions not stated): gnomAD exomes below 0.00001 and 0.00001; TOPMed below 0.00001; gnomAD 0.00001; ExAC 0.00002.
gnomAD v4.1: 4 of 1,614,066 alleles (0.00025%); highest among the groups gnomAD compares: African/African-American, 0.0013%; no homozygotes.

Submissions (5):

Labcorp Genetics (formerly Invitae), Labcorp
Classification: Likely benign for Familial cancer of breast. Last evaluated: 2025-06-11. Review status: criteria provided, single submitter. Criteria: Invitae Variant Classification Sherloc (09022015). Collection method: clinical testing. Allele origin: germline.

Myriad Genetics, Inc.
Classification: Benign for Familial cancer of breast. Last evaluated: 2024-07-30. Review status: criteria provided, single submitter. Criteria: Myriad Autosomal Dominant, Autosomal Recessive and X-Linked Classification Criteria (2023). Collection method: clinical testing. Allele origin: unknown.
Comment: This variant is considered benign. This variant is a silent/synonymous amino acid change and it is not expected to impact splicing.

Color Diagnostics, LLC DBA Color Health
Classification: Likely benign for Hereditary cancer-predisposing syndrome. Last evaluated: 2021-04-15. Review status: criteria provided, single submitter. Criteria: ACMG Guidelines, 2015. Collection method: clinical testing. Allele origin: germline.

Ambry Genetics
Classification: Likely benign for Hereditary cancer-predisposing syndrome. Last evaluated: 2019-05-06. Review status: criteria provided, single submitter. Criteria: Ambry Variant Classification Scheme 2023. Collection method: clinical testing. Allele origin: germline.

GeneDx
Classification: Likely benign. Last evaluated: 2015-12-09. Review status: criteria provided, single submitter. Criteria: GeneDx Variant Classification (06012015). Collection method: clinical testing. Allele origin: germline. Affected: yes.
Comment: This variant is considered likely benign or benign based on one or more of the following criteria: it is a conservative change, it occurs at a poorly conserved position in the protein, it is predicted to be benign by multiple in silico algorithms, and/or has population frequency not consistent with disease.

NM_000465.4(BARD1):c.2235T>C (p.Tyr745=)

Gene: BARD1 (BRCA1 associated RING domain 1; minus strand). Cytogenetic location: 2q35.
Variant type: single nucleotide variant.
Coding change: c.2235T>C on transcript NM_000465.4 (MANE Select); coding-DNA position 2235, T replaced by C.
Protein change: p.Tyr745=; no amino-acid change (tyrosine 745 retained).
Molecular consequence: synonymous variant. On other transcripts: non-coding transcript variant (3).
Genome position (GRCh38, 1-based): chr2:214,728,775, A>G on the plus strand (T>C on the coding strand, the complement: BARD1 is on the minus strand). VCF-style: chr2-214728775-A-G. GRCh37 (hg19) VCF-style: chr2-215593499-A-G.
Other names: c.2178T>C, p.Tyr726= (NM_001282543.2); c.882T>C, p.Tyr294= (NM_001282545.2); c.825T>C, p.Tyr275= (NM_001282548.2); c.696T>C, p.Tyr232= (NM_001282549.2).
Identifiers: ClinVar variation 184919 (VCV000184919.18), dbSNP rs747122703, ClinGen allele CA190468.
Genomic context (GRCh38, chr2:214,728,775, plus strand): 5'-GTCTATAAACCAGCTCGAAGGAGCCTTCCAGACTTTGCCCTGCCGAACCCTCTCTGGGTG[A>G]TAATTACACAAATCTTCATAGATGATATACTGTGTGCAGAAGCGCTGATCAGAATCGGGT-3'
Protein context (NP_000456.2, residues 735-755): QYIIYEDLCN[Tyr745=]HPERVRQGKV